The following is an entry in ClinVar:

NM_031854.3(KRTAP4-12):c.318T>C (p.Cys106=)

Gene: KRTAP4-12 (keratin associated protein 4-12; minus strand). Cytogenetic location: 17q21.2.
Variant type: single nucleotide variant.
Coding change: c.318T>C on transcript NM_031854.3 (MANE Select); coding-DNA position 318, T replaced by C.
Protein change: p.Cys106=; no amino-acid change (cysteine 106 retained).
Molecular consequence: synonymous variant.
Genome position (GRCh38, 1-based): chr17:41,123,805, A>G on the plus strand (T>C on the coding strand, the complement: KRTAP4-12 is on the minus strand). VCF-style: chr17-41123805-A-G. GRCh37 (hg19) VCF-style: chr17-39280057-A-G.
Identifiers: ClinVar variation 3898136 (VCV003898136.7).
Genomic context (GRCh38, chr17:41,123,805, plus strand): 5'-GCAGCAGCTGGACACACAGCAGCTGGGGCGGCAGCAAGTGGTCCTGCAGCAGGTGGTCTG[A>G]CAGCAGCTGGGGCGGCAGCAGGTGGGCTGGCAGCACACAGACTGGCAGCACTGGGGTCTG-3'
Protein context (NP_114060.1, residues 96-116): CQPTCCRPSC[Cys106=]QTTCCRTTCC

ClinVar aggregate classification (germline): Likely benign (1 of 4 stars; one submission).

Submission:

CeGaT Center for Human Genetics Tuebingen
Classification: Likely benign. Last evaluated: 2025-04-01. Review status: criteria provided, single submitter. Criteria: CeGaT Center For Human Genetics Tuebingen Variant Classification Criteria Version 2. Collection method: clinical testing. Allele origin: germline. Affected: yes. Observed: 1 variant allele.
Comment: KRTAP4-12: BP4, BP7